The following is an entry in ClinVar:

NM_006389.5(HYOU1):c.2158G>T (p.Val720Leu)

Gene: HYOU1 (hypoxia up-regulated 1; minus strand). Cytogenetic location: 11q23.3.
Variant type: single nucleotide variant.
Coding change: c.2158G>T on transcript NM_006389.5 (MANE Select); coding-DNA position 2158, G replaced by T.
Protein change: p.Val720Leu; replaces valine 720 with leucine.
Molecular consequence: missense variant.
Genome position (GRCh38, 1-based): chr11:119,048,721, C>A on the plus strand (G>T on the coding strand, the complement: HYOU1 is on the minus strand). VCF-style: chr11-119048721-C-A. GRCh37 (hg19) VCF-style: chr11-118919433-C-A.
Other names: c.2158G>T, p.Val720Leu (NM_001130991.3, NM_001411041.1); c.2158G>T (NM_006389.3); short protein forms V720L.
Identifiers: ClinVar variation 2814463 (VCV002814463.4), dbSNP rs782126475, ClinGen allele CA382926442.

ClinVar aggregate classification (germline): Uncertain significance. Review status: criteria provided, multiple submitters, no conflicts (2 of 4 stars). 2 submissions from 2 submitters: Uncertain significance (2). Last evaluated 2025-08-11.

Allele frequency attached by ClinVar (database versions not stated): TOPMed below 0.00001.

Submissions (2):

Ambry Genetics
Classification: Uncertain significance. Last evaluated: 2025-08-11. Review status: criteria provided, single submitter. Criteria: Ambry Variant Classification Scheme 2023. Collection method: clinical testing. Allele origin: germline.

Labcorp Genetics (formerly Invitae), Labcorp
Classification: Uncertain significance. Last evaluated: 2022-11-15. Review status: criteria provided, single submitter. Criteria: Invitae Variant Classification Sherloc (09022015). Collection method: clinical testing. Allele origin: germline.
Comment: This variant is not present in population databases (gnomAD no frequency). This variant has not been reported in the literature in individuals affected with HYOU1-related conditions. Algorithms developed to predict the effect of missense changes on protein structure and function are either unavailable or do not agree on the potential impact of this missense change (SIFT: "Not Available"; PolyPhen-2: "Benign"; Align-GVGD: "Not Available"). This sequence change replaces valine, which is neutral and non-polar, with leucine, which is neutral and non-polar, at codon 720 of the HYOU1 protein (p.Val720Leu). In summary, the available evidence is currently insufficient to determine the role of this variant in disease. Therefore, it has been classified as a Variant of Uncertain Significance.